The following is an entry in ClinVar:

ClinVar aggregate classification (germline): Benign (1 of 4 stars; one submission).

Conditions:
Platelet-type bleeding disorder 9 (BDPLT9). Also called: GLYCOPROTEIN Ia DEFICIENCY; GP Ia DEFICIENCY; COLLAGEN PLATELET RECEPTOR DEFICIENCY. Identifiers: Orphanet 73271, Orphanet 98886, MedGen C3280114, MONDO:0013622, OMIM 614200.

Allele frequency attached by ClinVar (database versions not stated): 1000 Genomes Project 0.00040; 1000 Genomes Project 30x 0.00047; TOPMed 0.00085; gnomAD 0.00086 and 0.00087.

Submission:

Illumina Laboratory Services, Illumina
Classification: Benign for Platelet-type bleeding disorder 9. Last evaluated: 2018-01-13. Review status: criteria provided, single submitter. Criteria: ICSL Variant Classification Criteria 13 December 2019. Collection method: clinical testing. Allele origin: germline.
Comment: This variant was observed in the ICSL laboratory as part of a predisposition screen in an ostensibly healthy population. It had not been previously curated by ICSL or reported in the Human Gene Mutation Database (HGMD: prior to June 1st, 2018), and was therefore a candidate for classification through an automated scoring system. Utilizing variant allele frequency, disease prevalence and penetrance estimates, and inheritance mode, an automated score was calculated to assess if this variant is too frequent to cause the disease. Based on the score and internal cut-off values, a variant classified as benign is not then subjected to further curation. The score for this variant resulted in a classification of benign for this disease.

NM_002203.4(ITGA2):c.*3310T>G

Gene: ITGA2 (integrin subunit alpha 2; plus strand). Cytogenetic location: 5q11.2.
Variant type: single nucleotide variant.
Coding change: c.*3310T>G on transcript NM_002203.4 (MANE Select); 3310 bases downstream of the stop codon, T replaced by G.
Molecular consequence: 3 prime UTR variant. On other transcripts: non-coding transcript variant (5).
Genome position (GRCh38, 1-based): chr5:53,093,909, T>G. VCF-style: chr5-53093909-T-G. GRCh37 (hg19) VCF-style: chr5-52389739-T-G.
Identifiers: ClinVar variation 353849 (VCV000353849.5), dbSNP rs557257907, ClinGen allele CA10621983.